The following is an entry in ClinVar:

NM_000081.4(LYST):c.4786G>A (p.Val1596Ile)

Gene: LYST (lysosomal trafficking regulator; minus strand). Cytogenetic location: 1q42.3.
Variant type: single nucleotide variant.
Coding change: c.4786G>A on transcript NM_000081.4 (MANE Select); coding-DNA position 4786, G replaced by A.
Protein change: p.Val1596Ile; replaces valine 1596 with isoleucine.
Molecular consequence: missense variant.
Genome position (GRCh38, 1-based): chr1:235,787,276, C>T on the plus strand (G>A on the coding strand, the complement: LYST is on the minus strand). VCF-style: chr1-235787276-C-T. GRCh37 (hg19) VCF-style: chr1-235950576-C-T.
Other names: c.4786G>A, p.Val1596Ile (NM_001301365.1); short protein forms V1596I.
Identifiers: ClinVar variation 1426273 (VCV001426273.5), dbSNP rs2528090244, ClinGen allele CA344957476.

ClinVar aggregate classification (germline): Uncertain significance (1 of 4 stars; one submission).

Conditions:
Chédiak-Higashi syndrome (CHS). Also called: Chediak-Higashi Syndrome. Identifiers: Orphanet 167, MedGen C0007965, MONDO:0008963, OMIM 214500.

Submission:

Labcorp Genetics (formerly Invitae), Labcorp
Classification: Uncertain significance for Chédiak-Higashi syndrome. Last evaluated: 2021-11-15. Review status: criteria provided, single submitter. Criteria: Invitae Variant Classification Sherloc (09022015). Collection method: clinical testing. Allele origin: germline.
Comment: In summary, the available evidence is currently insufficient to determine the role of this variant in disease. Therefore, it has been classified as a Variant of Uncertain Significance. Algorithms developed to predict the effect of missense changes on protein structure and function (SIFT, PolyPhen-2, Align-GVGD) all suggest that this variant is likely to be tolerated. This sequence change replaces valine, which is neutral and non-polar, with isoleucine, which is neutral and non-polar, at codon 1596 of the LYST protein (p.Val1596Ile). This variant is not present in population databases (gnomAD no frequency). This variant has not been reported in the literature in individuals affected with LYST-related conditions.